The following is an entry in ClinVar:

NM_033026.6(PCLO):c.14663G>T (p.Gly4888Val)

Gene: PCLO (piccolo presynaptic cytomatrix protein; minus strand). Cytogenetic location: 7q21.11.
Variant type: single nucleotide variant.
Coding change: c.14663G>T on transcript NM_033026.6 (MANE Select); coding-DNA position 14663, G replaced by T.
Protein change: p.Gly4888Val; replaces glycine 4888 with valine.
Molecular consequence: missense variant.
Genome position (GRCh38, 1-based): chr7:82,822,623, C>A on the plus strand (G>T on the coding strand, the complement: PCLO is on the minus strand). VCF-style: chr7-82822623-C-A. GRCh37 (hg19) VCF-style: chr7-82451939-C-A.
Other names: c.14663G>T, p.Gly4888Val (NM_014510.3); short protein forms G4888V.
Identifiers: ClinVar variation 2001083 (VCV002001083.4), dbSNP rs2535256543, ClinGen allele CA368019132.

ClinVar aggregate classification (germline): Uncertain significance (1 of 4 stars; one submission).

Submission:

Labcorp Genetics (formerly Invitae), Labcorp
Classification: Uncertain significance. Last evaluated: 2022-06-12. Review status: criteria provided, single submitter. Criteria: Invitae Variant Classification Sherloc (09022015). Collection method: clinical testing. Allele origin: germline.
Comment: In summary, the available evidence is currently insufficient to determine the role of this variant in disease. Therefore, it has been classified as a Variant of Uncertain Significance. Algorithms developed to predict the effect of missense changes on protein structure and function are either unavailable or do not agree on the potential impact of this missense change (SIFT: "Deleterious"; PolyPhen-2: "Not Available"; Align-GVGD: "Class C0"). This variant has not been reported in the literature in individuals affected with PCLO-related conditions. This variant is not present in population databases (gnomAD no frequency). This sequence change replaces glycine, which is neutral and non-polar, with valine, which is neutral and non-polar, at codon 4888 of the PCLO protein (p.Gly4888Val).